The following is an entry in ClinVar:

NM_014804.3(KIAA0753):c.331A>G (p.Arg111Gly)

Gene: KIAA0753 (KIAA0753; minus strand). Cytogenetic location: 17p13.1.
Variant type: single nucleotide variant.
Coding change: c.331A>G on transcript NM_014804.3 (MANE Select); coding-DNA position 331, A replaced by G.
Protein change: p.Arg111Gly; replaces arginine 111 with glycine.
Molecular consequence: missense variant. On other transcripts: 5 prime UTR variant (1), non-coding transcript variant (3).
Genome position (GRCh38, 1-based): chr17:6,628,504, T>C on the plus strand (A>G on the coding strand, the complement: KIAA0753 is on the minus strand). VCF-style: chr17-6628504-T-C. GRCh37 (hg19) VCF-style: chr17-6531824-T-C.
Other names: c.-904A>G (NM_001351225.2); short protein forms R111G.
Identifiers: ClinVar variation 1947189 (VCV001947189.5), dbSNP rs371754264, ClinGen allele CA8330785.
Genomic context (GRCh38, chr17:6,628,504, plus strand): 5'-TCTGAGAGCTTTGAGGCTGACTTCTGAGATGATGTTCTTTTATATGTTTTTCAAATTGTC[T>C]TCGTTTCACATCTCTTCTGGCTAGGTGGACAGCATAGCTAAGTCTCTCTTGGGATATGAC-3'
Protein context (NP_055619.2, residues 101-121): VHLARRDVKR[Arg111Gly]QFEKHIKEHH

ClinVar aggregate classification (germline): Uncertain significance (1 of 4 stars; one submission).

Allele frequency attached by ClinVar (database versions not stated): gnomAD exomes 0.00001; ExAC 0.00002; gnomAD 0.00005; TOPMed 0.00008; ESP Exome Variant Server 0.00017.
gnomAD v4.1: 15 of 1,614,120 alleles (0.00093%); highest among the groups gnomAD compares: African/African-American, 0.02%; no homozygotes.

Submission:

Labcorp Genetics (formerly Invitae), Labcorp
Classification: Uncertain significance. Last evaluated: 2024-12-09. Review status: criteria provided, single submitter. Criteria: Invitae Variant Classification Sherloc (09022015). Collection method: clinical testing. Allele origin: germline.
Comment: This sequence change replaces arginine, which is basic and polar, with glycine, which is neutral and non-polar, at codon 111 of the KIAA0753 protein (p.Arg111Gly). This variant is present in population databases (rs371754264, gnomAD 0.03%). This variant has not been reported in the literature in individuals affected with KIAA0753-related conditions. ClinVar contains an entry for this variant (Variation ID: 1947189). An algorithm developed to predict the effect of missense changes on protein structure and function (PolyPhen-2) suggests that this variant is likely to be disruptive. In summary, the available evidence is currently insufficient to determine the role of this variant in disease. Therefore, it has been classified as a Variant of Uncertain Significance.